The following is an entry in ClinVar:

ClinVar aggregate classification (germline): Uncertain significance (1 of 4 stars; one submission).

Allele frequency attached by ClinVar (database versions not stated): gnomAD exomes below 0.00001.
gnomAD v4.1: 5 of 1,209,939 alleles (0.00041%); highest among the groups gnomAD compares: Non-Finnish European, 0.00056%; no homozygotes.

Submission:

GeneDx
Classification: Uncertain significance. Last evaluated: 2024-11-06. Review status: criteria provided, single submitter. Criteria: GeneDx Variant Classification Process June 2021. Collection method: clinical testing. Allele origin: germline. Affected: yes.
Comment: Not observed at significant frequency in large population cohorts (gnomAD); Has not been previously published as pathogenic or benign to our knowledge; Variants in candidate genes are classified as variants of uncertain significance in accordance with ACMG guidelines (PMID: 25741868); Canonical splice site variant in a gene for which loss-of-function is not an established mechanism of disease

NM_014467.3(SRPX2):c.533-1G>A

Gene: SRPX2 (sushi repeat containing protein X-linked 2; plus strand). Cytogenetic location: Xq22.1.
Variant type: single nucleotide variant.
Coding change: c.533-1G>A on transcript NM_014467.3 (MANE Select); the canonical splice acceptor site of the intron before coding-DNA position 533, G replaced by A.
Molecular consequence: splice acceptor variant.
Genome position (GRCh38, 1-based): chrX:100,665,242, G>A. VCF-style: chrX-100665242-G-A. GRCh37 (hg19) VCF-style: chrX-99920239-G-A.
Identifiers: ClinVar variation 207391 (VCV000207391.3), dbSNP rs796053343, ClinGen allele CA318808.